The following is an entry in ClinVar:

NM_001197104.2(KMT2A):c.10615C>T (p.Pro3539Ser)

Gene: KMT2A (lysine methyltransferase 2A; plus strand). Cytogenetic location: 11q23.3.
Variant type: single nucleotide variant.
Coding change: c.10615C>T on transcript NM_001197104.2 (MANE Select); coding-DNA position 10615, C replaced by T.
Protein change: p.Pro3539Ser; replaces proline 3539 with serine.
Molecular consequence: missense variant.
Genome position (GRCh38, 1-based): chr11:118,506,507, C>T. VCF-style: chr11-118506507-C-T. GRCh37 (hg19) VCF-style: chr11-118377222-C-T.
Other names: c.10705C>T, p.Pro3569Ser (NM_001412597.1); c.10606C>T, p.Pro3536Ser (NM_005933.4); short protein forms P3536S, P3569S, P3539S.
Identifiers: ClinVar variation 2026483 (VCV002026483.4), dbSNP rs1003415050, ClinGen allele CA229530578.

ClinVar aggregate classification (germline): Uncertain significance (1 of 4 stars; one submission).

gnomAD v4.1: 2 of 1,614,202 alleles (0.00012%); no homozygotes.

Submission:

Labcorp Genetics (formerly Invitae), Labcorp
Classification: Uncertain significance. Last evaluated: 2023-11-27. Review status: criteria provided, single submitter. Criteria: Invitae Variant Classification Sherloc (09022015). Collection method: clinical testing. Allele origin: germline.
Comment: This sequence change replaces proline, which is neutral and non-polar, with serine, which is neutral and polar, at codon 3539 of the KMT2A protein (p.Pro3539Ser). This variant is not present in population databases (gnomAD no frequency). This variant has not been reported in the literature in individuals affected with KMT2A-related conditions. ClinVar contains an entry for this variant (Variation ID: 2026483). Advanced modeling of protein sequence and biophysical properties (such as structural, functional, and spatial information, amino acid conservation, physicochemical variation, residue mobility, and thermodynamic stability) performed at Invitae indicates that this missense variant is not expected to disrupt KMT2A protein function with a negative predictive value of 95%. In summary, the available evidence is currently insufficient to determine the role of this variant in disease. Therefore, it has been classified as a Variant of Uncertain Significance.